The following is an entry in ClinVar:

NM_015512.5(DNAH1):c.490A>G (p.Thr164Ala)

Gene: DNAH1 (dynein axonemal heavy chain 1; plus strand). Cytogenetic location: 3p21.1.
Variant type: single nucleotide variant.
Coding change: c.490A>G on transcript NM_015512.5 (MANE Select); coding-DNA position 490, A replaced by G.
Protein change: p.Thr164Ala; replaces threonine 164 with alanine.
Molecular consequence: missense variant.
Genome position (GRCh38, 1-based): chr3:52,326,223, A>G. VCF-style: chr3-52326223-A-G. GRCh37 (hg19) VCF-style: chr3-52360239-A-G.
Other names: short protein forms T164A.
Identifiers: ClinVar variation 1008612 (VCV001008612.3), dbSNP rs754602688, ClinGen allele CA2432656.
Genomic context (GRCh38, chr3:52,326,223, plus strand): 5'-GACTTCCAGGAGCGCATGGAGCAGCAGTGCATCGGGTCCACCACCCGGCTGCTCGCCCAG[A>G]CTGACTTCCCACTGCAGGCCTACGAGCCCAAGATGCAGGTGCCTTTCCAGGTGCTGCCAG-3'
Protein context (NP_056327.4, residues 154-174): IGSTTRLLAQ[Thr164Ala]DFPLQAYEPK

ClinVar aggregate classification (germline): Uncertain significance (1 of 4 stars; one submission).

Conditions:
Spermatogenic failure 18. Identifiers: MedGen C4539783, MONDO:0054615, OMIM 617576.
Ciliary dyskinesia, primary, 37 (CILD37). Also called: CILIARY DYSKINESIA, PRIMARY, 37, WITH OR WITHOUT SITUS INVERSUS. Identifiers: MedGen C4539798, MONDO:0033204, OMIM 617577.

Allele frequency attached by ClinVar (database versions not stated): gnomAD exomes below 0.00001; ExAC 0.00001.
gnomAD v4.1: 1 of 1,613,306 alleles (0.000062%); highest among the groups gnomAD compares: Non-Finnish European, 0.000085%; no homozygotes.

Submission:

Labcorp Genetics (formerly Invitae), Labcorp
Classification: Uncertain significance for Ciliary dyskinesia, primary, 37; Spermatogenic failure 18. Last evaluated: 2020-09-24. Review status: criteria provided, single submitter. Criteria: Invitae Variant Classification Sherloc (09022015). Collection method: clinical testing. Allele origin: germline.
Comment: In summary, the available evidence is currently insufficient to determine the role of this variant in disease. Therefore, it has been classified as a Variant of Uncertain Significance. Algorithms developed to predict the effect of missense changes on protein structure and function output the following: SIFT: "Deleterious"; PolyPhen-2: "Benign"; Align-GVGD: "Class C0". The alanine amino acid residue is found in multiple mammalian species, suggesting that this missense change does not adversely affect protein function. These predictions have not been confirmed by published functional studies and their clinical significance is uncertain. This variant has not been reported in the literature in individuals with DNAH1-related conditions. This variant is present in population databases (rs754602688, ExAC 0.002%). This sequence change replaces threonine with alanine at codon 164 of the DNAH1 protein (p.Thr164Ala). The threonine residue is moderately conserved and there is a small physicochemical difference between threonine and alanine.